The following is an entry in ClinVar:

ClinVar aggregate classification (germline): Uncertain significance (1 of 4 stars; one submission).

gnomAD v4.1: 1 of 1,613,850 alleles (0.000062%); highest among the groups gnomAD compares: East Asian, 0.0022%; no homozygotes.

Submission:

Women's Health and Genetics/Laboratory Corporation of America, LabCorp
Classification: Uncertain significance. Last evaluated: 2025-07-10. Review status: criteria provided, single submitter. Criteria: LabCorp Variant Classification Summary - May 2015. Collection method: clinical testing. Allele origin: germline.
Comment: Variant summary: SETD1A c.2435G>A (p.Arg812His) results in a non-conservative amino acid change in the encoded protein sequence. Algorithms developed to predict the effect of missense changes on protein structure and function all suggest that this variant is likely to be disruptive. The variant was absent in 247274 control chromosomes. The available data on variant occurrences in the general population are insufficient to allow any conclusion about variant significance. To our knowledge, no occurrence of c.2435G>A in individuals affected with Neurodevelopmental Disorder With Speech Impairment And Dysmorphic Facies and no experimental evidence demonstrating its impact on protein function have been reported. No submitters have cited clinical-significance assessments for this variant to ClinVar. Based on the evidence outlined above, the variant was classified as uncertain significance.

NM_014712.3(SETD1A):c.2435G>A (p.Arg812His)

Gene: SETD1A (SET domain containing 1A, histone lysine methyltransferase; plus strand). Cytogenetic location: 16p11.2.
Variant type: single nucleotide variant.
Coding change: c.2435G>A on transcript NM_014712.3 (MANE Select); coding-DNA position 2435, G replaced by A.
Protein change: p.Arg812His; replaces arginine 812 with histidine.
Molecular consequence: missense variant.
Genome position (GRCh38, 1-based): chr16:30,966,316, G>A. VCF-style: chr16-30966316-G-A. GRCh37 (hg19) VCF-style: chr16-30977637-G-A.
Other names: short protein forms R812H.
Identifiers: ClinVar variation 4525999 (VCV004525999.1).